The following is an entry in ClinVar:

NM_000551.4(VHL):c.422dup (p.Asn141fs)

Genes: VHL (von Hippel-Lindau tumor suppressor; plus strand), LOC107303340 (3p25 von Hippel-Lindau tumor suppressor, E3 ubiquitin protein ligase Alu-mediated recombination region; plus strand). Cytogenetic location: 3p25.3.
Variant type: Duplication.
Coding change: c.422dup on transcript NM_000551.4 (MANE Select); coding-DNA position 422, one base duplicated (A; older notation c.422dupA).
Protein change: p.Asn141fs; shifts the reading frame from asparagine 141.
Molecular consequence: frameshift variant. On other transcripts: intron variant (2).
Genome position (GRCh38, 1-based): chr3:10,146,595, A duplicated; the last of 2 consecutive A bases (chr3:10,146,594-10,146,595); duplicating either gives the same sequence. VCF-style (leftmost placement, unchanged base first): chr3-10146593-C-CA. GRCh37 (hg19) VCF-style: chr3-10188277-C-CA.
Other names: NM_000551.4(VHL):c.422dup; p.Asn141fs; c.422dupA (NM_000551.3); c.*18-3192dup (NM_001354723.2); c.341-3192dup (NM_198156.3); short protein forms N141fs.
Identifiers: ClinVar variation 411979 (VCV000411979.14), dbSNP rs1553619976, ClinGen allele CA16611276.

ClinVar aggregate classification (germline): Pathogenic. Review status: reviewed by expert panel (3 of 4 stars). 3 submissions from 3 submitters: Pathogenic (1). 2 of the submissions do not count toward it. Last evaluated 2024-06-25.

Conditions:
Hereditary cancer-predisposing syndrome. Also called: Hereditary neoplastic syndrome; Neoplastic Syndromes, Hereditary; Tumor predisposition; Hereditary Cancer Syndrome. Identifiers: Orphanet 140162, MedGen C0027672, MeSH D009386, MONDO:0015356.
Von Hippel-Lindau syndrome (VHLS). Also called: Von Hippel-Lindau; VHL syndrome; von Hippel–Lindau syndrome. Identifiers: Orphanet 892, MedGen C0019562, MONDO:0008667, OMIM 193300. Disease mechanism: loss of function.
Chuvash polycythemia. Also called: POLYCYTHEMIA, VHL-DEPENDENT. Identifiers: Orphanet 238557, MedGen C1837915, MONDO:0009892, OMIM 263400.

Submissions (3):

ClinGen VHL Variant Curation Expert Panel, ClinGen
Classification: Pathogenic for Von Hippel-Lindau syndrome. Last evaluated: 2024-06-25. Review status: reviewed by expert panel. Criteria: ClinGen VHL VCEP ACMG Specifications VHL V1. Collection method: curation. Allele origin: germline. Inheritance: Autosomal dominant inheritance.
Comment: The NM_000551.4(VHL):c.422dup (p.Asn141fs) is a frameshift variant affecting position 141. This variant is not expected to undergo nonsense mediated decay, but is in a functional domain critical to the protein function (nuclear export domain) (PVS1). This variant is absent from gnomAD v4.1.0 (PM2_Supporting). Two commercial laboratories report cases. Case 1 (0.5 points): displayed bilateral renal masses and likely pheochromocytoma, with a small Paraganglioma panel run. In summary, this variant meets the criteria to be classified as Pathogenic for autosomal-dominant von Hippel Lindau syndrome (VHL syndrome) based on the ACMG/AMP criteria applied, as specified by the ClinGen VHL VCEP Version 1.0 (Specifications approval date: 02/26/2024. Variant Approval Date 06/25/2024).

Labcorp Genetics (formerly Invitae), Labcorp
Classification: Pathogenic for Von Hippel-Lindau syndrome; Chuvash polycythemia. Last evaluated: 2024-05-28. Review status: criteria provided, single submitter. Criteria: Invitae Variant Classification Sherloc (09022015). Collection method: clinical testing. Allele origin: germline. Not counted in ClinVar's aggregate classification.
Comment: This sequence change creates a premature translational stop signal (p.Asn141Lysfs*3) in the VHL gene. While this is not anticipated to result in nonsense mediated decay, it is expected to disrupt the last 73 amino acid(s) of the VHL protein. This variant is not present in population databases (gnomAD no frequency). This variant has not been reported in the literature in individuals affected with VHL-related conditions. ClinVar contains an entry for this variant (Variation ID: 411979). This variant disrupts the alpha domain of the VHL protein, which is required for interaction with Elongin C (PMID: 10205047). While functional studies have not been performed to directly test the effect of this variant on VHL protein function, this suggests that disruption of this region of the protein is causative of disease. This variant disrupts a region of the VHL protein in which other variant(s) (p.Leu198Pro) have been determined to be pathogenic (PMID: 24555745, 27539324, 29124493). This suggests that this is a clinically significant region of the protein, and that variants that disrupt it are likely to be disease-causing. For these reasons, this variant has been classified as Pathogenic.

Ambry Genetics
Classification: Pathogenic for Hereditary cancer-predisposing syndrome. Last evaluated: 2016-12-13. Review status: criteria provided, single submitter. Criteria: Ambry Variant Classification Scheme 2023. Collection method: clinical testing. Allele origin: germline. Not counted in ClinVar's aggregate classification.
Comment: The c.422dupA variant, located in coding exon 2 of the VHL gene, results from a duplication of A at nucleotide position 422, causing a translational frameshift with a predicted alternate stop codon (p.N141Kfs*3). This alteration is expected to result in loss of function by premature protein truncation. As such, this alteration is interpreted as a disease-causing mutation.

Literature cited by the submitters: PubMed 10205047 (cited by Labcorp Genetics (formerly Invitae), Labcorp); PubMed 24555745 (cited by Labcorp Genetics (formerly Invitae), Labcorp); PubMed 27539324 (cited by Labcorp Genetics (formerly Invitae), Labcorp); PubMed 29124493 (cited by Labcorp Genetics (formerly Invitae), Labcorp); PubMed 24727139 (cited by Ambry Genetics).